The following is an entry in ClinVar:

NM_006015.6(ARID1A):c.3845_3860del (p.Gly1282fs)

Gene: ARID1A (AT-rich interaction domain 1A; plus strand). Cytogenetic location: 1p36.11.
Variant type: Deletion.
Coding change: c.3845_3860del on transcript NM_006015.6 (MANE Select); coding-DNA positions 3845 to 3860, 16 bases deleted (GAGGTCCTTATGACAG).
Protein change: p.Gly1282fs; shifts the reading frame from glycine 1282.
Molecular consequence: frameshift variant.
Genome position (GRCh38, 1-based): chr1:26,773,475-26,773,490, GAGGTCCTTATGACAG deleted; deleting any 16 consecutive bases within chr1:26,773,474-26,773,490 gives the same sequence; the c. name uses the placement nearest the transcript's 3' end. VCF-style (leftmost placement, unchanged base first): chr1-26773473-TGGAGGTCCTTATGACA-T. GRCh37 (hg19) VCF-style: chr1-27099964-TGGAGGTCCTTATGACA-T.
Other names: c.3845_3860del, p.Gly1282fs (NM_139135.4); short protein forms G1282fs.
Identifiers: ClinVar variation 4886589 (VCV004886589.2).

ClinVar aggregate classification (germline): Likely pathogenic (1 of 4 stars; one submission).

Submission:

Dasa
Classification: Likely pathogenic. Last evaluated: 2025-04-16. Review status: criteria provided, single submitter. Criteria: DASA Assertion Criteria. Collection method: clinical testing. Allele origin: germline.
Comment: NM_006015.6(ARID1A):c.3845_3860del (p.Gly1282Glufs*2) is a frameshift variant in ARID1A predicted to alter the reading frame and introduce a premature termination codon and is predicted to result in an absent or altered protein product. Loss of function is an established disease mechanism for ARID1A (PMID: 22426308; PMID: 23929686; PMID: 23906836). Also, this variant is absent from population databases. Based on the currently available evidence, this variant is classified as likely pathogenic.

Literature cited by the submitters: PubMed 22426308; PubMed 23929686; PubMed 23906836.